The following is an entry in ClinVar:

ClinVar aggregate classification (germline): Uncertain significance. Review status: criteria provided, multiple submitters, no conflicts (2 of 4 stars). 2 submissions from 2 submitters: Uncertain significance (2). Last evaluated 2025-10-02.

Conditions:
Hereditary spastic paraplegia 11. Also called: SPASTIC PARAPLEGIA, AUTOSOMAL RECESSIVE, COMPLICATED, WITH THIN CORPUS CALLOSUM; SPASTIC PARAPLEGIA, AUTOSOMAL RECESSIVE, WITH MENTAL IMPAIRMENT AND THIN CORPUS CALLOSUM; Spastic paraplegia, mental retardation and thin corpus callosum; Nakamura Osame syndrome; Autosomal recessive hereditary spastic paraplegia, mental impairment, and thin corpus callosum; Spastic Paraplegia 11. Identifiers: Orphanet 2822, MedGen C1858479, MONDO:0011445, OMIM 604360.
Inborn genetic diseases. Identifiers: MedGen C0950123, MeSH D030342.

Allele frequency attached by ClinVar (database versions not stated): TOPMed 0.00001; gnomAD exomes 0.00001.
gnomAD v4.1: 8 of 1,613,704 alleles (0.0005%); highest among the groups gnomAD compares: Non-Finnish European, 0.00068%; no homozygotes.

Submissions (2):

Ambry Genetics
Classification: Uncertain significance for Inborn genetic diseases. Last evaluated: 2025-10-02. Review status: criteria provided, single submitter. Criteria: Ambry Variant Classification Scheme 2023. Collection method: clinical testing. Allele origin: germline.

Labcorp Genetics (formerly Invitae), Labcorp
Classification: Uncertain significance for Hereditary spastic paraplegia 11. Last evaluated: 2022-10-24. Review status: criteria provided, single submitter. Criteria: Invitae Variant Classification Sherloc (09022015). Collection method: clinical testing. Allele origin: germline.
Comment: This sequence change replaces asparagine, which is neutral and polar, with lysine, which is basic and polar, at codon 1168 of the SPG11 protein (p.Asn1168Lys). This variant is not present in population databases (gnomAD no frequency). This variant has not been reported in the literature in individuals affected with SPG11-related conditions. ClinVar contains an entry for this variant (Variation ID: 940444). Advanced modeling of protein sequence and biophysical properties (such as structural, functional, and spatial information, amino acid conservation, physicochemical variation, residue mobility, and thermodynamic stability) performed at Invitae indicates that this missense variant is expected to disrupt SPG11 protein function. In summary, the available evidence is currently insufficient to determine the role of this variant in disease. Therefore, it has been classified as a Variant of Uncertain Significance.

NM_025137.4(SPG11):c.3504C>A (p.Asn1168Lys)

Gene: SPG11 (SPG11 vesicle trafficking associated, spatacsin; minus strand). Cytogenetic location: 15q21.1.
Variant type: single nucleotide variant.
Coding change: c.3504C>A on transcript NM_025137.4 (MANE Select); coding-DNA position 3504, C replaced by A.
Protein change: p.Asn1168Lys; replaces asparagine 1168 with lysine.
Molecular consequence: missense variant.
Genome position (GRCh38, 1-based): chr15:44,606,041, G>T on the plus strand (C>A on the coding strand, the complement: SPG11 is on the minus strand). VCF-style: chr15-44606041-G-T. GRCh37 (hg19) VCF-style: chr15-44898239-G-T.
Other names: c.3504C>A, p.Asn1168Lys (NM_001160227.2); short protein forms N1168K.
Identifiers: ClinVar variation 940444 (VCV000940444.6), dbSNP rs199712393, ClinGen allele CA270060618.
Genomic context (GRCh38, chr15:44,606,041, plus strand): 5'-AACACTGCTAAAACATGTCTCAAGAAGTACCCATGATGACTTACCTCCTATAGCTAGTGT[G>T]TTAGCAGACTGCCAGCCAAACAATCTGCTAGGATCAAAGGGTGATAATGACTGAAAAAGG-3'
Protein context (NP_079413.3, residues 1158-1178): PSRLFGWQSA[Asn1168Lys]TLAIGDAWSH